The following is an entry in ClinVar:

ClinVar aggregate classification (germline): Uncertain significance. Review status: criteria provided, multiple submitters, no conflicts (2 of 4 stars). 2 submissions from 2 submitters: Uncertain significance (2). Last evaluated 2023-03-17.

Conditions:
Spermatogenic failure 28. Identifiers: MedGen C4748117, MONDO:0054732, OMIM 618086.
Premature ovarian failure 15. Identifiers: MedGen C4748170, MONDO:0054862, OMIM 618096.
Fanconi anemia (FA). Also called: Fanconi's anemia. Identifiers: Orphanet 84, MedGen C0015625, MeSH D005199, MONDO:0019391.

Allele frequency attached by ClinVar (database versions not stated): gnomAD exomes 0.00002 and 0.00001; ExAC 0.00003.

Submissions (2):

Labcorp Genetics (formerly Invitae), Labcorp
Classification: Uncertain significance for Fanconi anemia. Last evaluated: 2023-03-17. Review status: criteria provided, single submitter. Criteria: Invitae Variant Classification Sherloc (09022015). Collection method: clinical testing. Allele origin: germline.
Comment: In summary, the available evidence is currently insufficient to determine the role of this variant in disease. Therefore, it has been classified as a Variant of Uncertain Significance. Algorithms developed to predict the effect of missense changes on protein structure and function output the following: SIFT: "Not Available"; PolyPhen-2: "Benign"; Align-GVGD: "Not Available". The valine amino acid residue is found in multiple mammalian species, which suggests that this missense change does not adversely affect protein function. ClinVar contains an entry for this variant (Variation ID: 834875). This variant has not been reported in the literature in individuals affected with FANCM-related conditions. This variant is present in population databases (rs765860916, gnomAD 0.004%). This sequence change replaces isoleucine, which is neutral and non-polar, with valine, which is neutral and non-polar, at codon 1495 of the FANCM protein (p.Ile1495Val).

Fulgent Genetics
Classification: Uncertain significance for Spermatogenic failure 28; Premature ovarian failure 15. Last evaluated: 2021-10-18. Review status: criteria provided, single submitter. Criteria: ACMG Guidelines, 2015. Collection method: clinical testing. Allele origin: unknown.

NM_020937.4(FANCM):c.4483A>G (p.Ile1495Val)

Gene: FANCM (FA complementation group M; plus strand). Cytogenetic location: 14q21.2.
Variant type: single nucleotide variant.
Coding change: c.4483A>G on transcript NM_020937.4 (MANE Select); coding-DNA position 4483, A replaced by G.
Protein change: p.Ile1495Val; replaces isoleucine 1495 with valine.
Molecular consequence: missense variant.
Genome position (GRCh38, 1-based): chr14:45,183,870, A>G. VCF-style: chr14-45183870-A-G. GRCh37 (hg19) VCF-style: chr14-45653073-A-G.
Other names: c.4405A>G, p.Ile1469Val (NM_001308133.2); short protein forms I1469V, I1495V.
Identifiers: ClinVar variation 834875 (VCV000834875.10), dbSNP rs765860916, ClinGen allele CA7169759.